The following is an entry in ClinVar:

ClinVar aggregate classification (germline): Uncertain significance. Review status: criteria provided, multiple submitters, no conflicts (2 of 4 stars). 2 submissions from 2 submitters: Uncertain significance (2). Last evaluated 2021-07-27.

Conditions:
Hereditary sensory neuropathy-deafness-dementia syndrome. Also called: Hereditary sensory neuropathy type IE; HSN IE; Hereditary Sensory and Autonomic Neuropathy Type 1E (HSAN1E); NEUROPATHY, HEREDITARY SENSORY, WITH HEARING LOSS AND DEMENTIA. Identifiers: Orphanet 456318, MedGen C3279885, MONDO:0013584, OMIM 614116.
Autosomal dominant cerebellar ataxia, deafness and narcolepsy. Also called: Autosomal Dominant Cerebellar Ataxia, Deafness, and Narcolepsy (ADCA-DN). Identifiers: Orphanet 314404, MedGen C4302668, MONDO:0011397, OMIM 604121.

Allele frequency attached by ClinVar (database versions not stated): gnomAD exomes below 0.00001.
gnomAD v4.1: 1 of 1,614,154 alleles (0.000062%); highest among the groups gnomAD compares: Non-Finnish European, 0.000085%; no homozygotes.

Submissions (2):

Fulgent Genetics
Classification: Uncertain significance for Autosomal dominant cerebellar ataxia, deafness and narcolepsy; Hereditary sensory neuropathy-deafness-dementia syndrome. Last evaluated: 2021-07-27. Review status: criteria provided, single submitter. Criteria: ACMG Guidelines, 2015. Collection method: clinical testing. Allele origin: unknown.

GeneDx
Classification: Uncertain significance. Last evaluated: 2019-02-22. Review status: criteria provided, single submitter. Criteria: GeneDx Variant Classification Process June 2021. Collection method: clinical testing. Allele origin: germline. Affected: yes.
Comment: Not observed in large population cohorts (Lek et al., 2016); In silico analysis, which includes protein predictors and evolutionary conservation, supports that this variant does not alter protein structure/function; Has not been previously published as pathogenic or benign to our knowledge

NM_001130823.3(DNMT1):c.859C>G (p.Gln287Glu)

Gene: DNMT1 (DNA methyltransferase 1; minus strand). Cytogenetic location: 19p13.2.
Variant type: single nucleotide variant.
Coding change: c.859C>G on transcript NM_001130823.3 (MANE Select); coding-DNA position 859, C replaced by G.
Protein change: p.Gln287Glu; replaces glutamine 287 with glutamic acid.
Molecular consequence: missense variant.
Genome position (GRCh38, 1-based): chr19:10,166,630, G>C on the plus strand (C>G on the coding strand, the complement: DNMT1 is on the minus strand). VCF-style: chr19-10166630-G-C. GRCh37 (hg19) VCF-style: chr19-10277306-G-C.
Other names: c.811C>G, p.Gln271Glu (NM_001318730.2, NM_001379.4); c.496C>G, p.Gln166Glu (NM_001318731.2); short protein forms Q166E, Q271E, Q287E.
Identifiers: ClinVar variation 1305834 (VCV001305834.3), dbSNP rs2145340495, ClinGen allele CA403942019.